The following is an entry in ClinVar:

NM_021930.6(RINT1):c.180A>G (p.Ile60Met)

Gene: RINT1 (RAD50 interactor 1; plus strand). Cytogenetic location: 7q22.3.
Variant type: single nucleotide variant.
Coding change: c.180A>G on transcript NM_021930.6 (MANE Select); coding-DNA position 180, A replaced by G.
Protein change: p.Ile60Met; replaces isoleucine 60 with methionine.
Molecular consequence: missense variant. On other transcripts: 5 prime UTR variant (3), non-coding transcript variant (1), intron variant (1).
Genome position (GRCh38, 1-based): chr7:105,536,656, A>G. VCF-style: chr7-105536656-A-G. GRCh37 (hg19) VCF-style: chr7-105177103-A-G.
Other names: c.-840A>G (NM_001346600.2); c.-743A>G (NM_001346601.2); c.-363A>G (NM_001346603.2); c.39+44A>G (NM_001346599.2); short protein forms I60M.
Identifiers: ClinVar variation 3433570 (VCV003433570.1).

ClinVar aggregate classification (germline): Uncertain significance (1 of 4 stars; one submission).

Submission:

Ambry Genetics
Classification: Uncertain significance. Last evaluated: 2024-08-02. Review status: criteria provided, single submitter. Criteria: Ambry Variant Classification Scheme 2023. Collection method: clinical testing. Allele origin: germline.
Comment: The p.I60M variant (also known as c.180A>G), located in coding exon 3 of the RINT1 gene, results from an A to G substitution at nucleotide position 180. The isoleucine at codon 60 is replaced by methionine, an amino acid with highly similar properties. This amino acid position is conserved. In addition, this alteration is predicted to be tolerated by in silico analysis. Based on the available evidence, the clinical significance of this variant remains unclear.